The following is an entry in ClinVar:

ClinVar aggregate classification (germline): Uncertain significance. Review status: criteria provided, multiple submitters, no conflicts (2 of 4 stars). 3 submissions from 3 submitters: Uncertain significance (3). Last evaluated 2024-10-20.

Conditions:
FAM161A-related disorder. Also called: FAM161A-related condition.

Allele frequency attached by ClinVar (database versions not stated): gnomAD exomes 0.00001; TOPMed 0.00001; ExAC 0.00001; gnomAD 0.00001.
gnomAD v4.1: 10 of 1,586,772 alleles (0.00063%); highest among the groups gnomAD compares: Middle Eastern, 0.05%; no homozygotes.

Submissions (3):

PreventionGenetics, part of Exact Sciences
Classification: Uncertain significance for FAM161A-related condition. Last evaluated: 2024-10-20. Review status: criteria provided, single submitter. Criteria: ACMG Guidelines, 2015. Collection method: clinical testing. Allele origin: germline.
Comment: The FAM161A c.1584-10T>G variant is predicted to interfere with splicing. This variant is predicted to alter splicing based on available splicing prediction programs (SpliceAI, Jaganathan et al. 2019. PubMed ID: 30661751). However, the use of computer prediction programs is not equivalent to functional evidence. To our knowledge, this variant has not been reported in the literature. This variant is reported in 0.00097% of alleles in individuals of European (Non-Finnish) descent in gnomAD. However, the use of computer prediction programs is not equivalent to functional evidence, and therefore the clinical significance of this variant is uncertain.

Labcorp Genetics (formerly Invitae), Labcorp
Classification: Uncertain significance. Last evaluated: 2024-04-17. Review status: criteria provided, single submitter. Criteria: Invitae Variant Classification Sherloc (09022015). Collection method: clinical testing. Allele origin: germline.
Comment: This sequence change falls in intron 3 of the FAM161A gene. It does not directly change the encoded amino acid sequence of the FAM161A protein. This variant is present in population databases (rs747328182, gnomAD 0.001%). This variant has not been reported in the literature in individuals affected with FAM161A-related conditions. ClinVar contains an entry for this variant (Variation ID: 2148394). Algorithms developed to predict the effect of sequence changes on RNA splicing suggest that this variant may disrupt the consensus splice site. In summary, the available evidence is currently insufficient to determine the role of this variant in disease. Therefore, it has been classified as a Variant of Uncertain Significance.

Blueprint Genetics
Classification: Uncertain significance. Last evaluated: 2018-12-15. Review status: criteria provided, single submitter. Criteria: ACMG Guidelines, 2015. Collection method: clinical testing. Allele origin: germline.

NM_001201543.2(FAM161A):c.1584-10T>G

Gene: FAM161A (FAM161 centrosomal protein A; minus strand). Cytogenetic location: 2p15.
Variant type: single nucleotide variant.
Coding change: c.1584-10T>G on transcript NM_001201543.2 (MANE Select); 10 bases into the intron before coding-DNA position 1584, T replaced by G.
Molecular consequence: intron variant.
Genome position (GRCh38, 1-based): chr2:61,838,715, A>C on the plus strand (T>G on the coding strand, the complement: FAM161A is on the minus strand). VCF-style: chr2-61838715-A-C. GRCh37 (hg19) VCF-style: chr2-62065850-A-C.
Other names: c.1584-10T>G (NM_001201543.1); c.1583+706T>G (NM_032180.3).
Identifiers: ClinVar variation 2148394 (VCV002148394.4), dbSNP rs747328182, ClinGen allele CA1679092.